The following is an entry in ClinVar:

ClinVar aggregate classification (germline): Benign/Likely benign. Review status: criteria provided, multiple submitters, no conflicts (2 of 4 stars). 3 submissions from 3 submitters: Benign (1); Likely benign (1). 1 of the submissions does not count toward it. Last evaluated 2026-01-14.

Conditions:
EFL1-related disorder. Also called: EFL1-related condition.

Allele frequency attached by ClinVar (database versions not stated): gnomAD 0.00002 and 0.00050; ESP Exome Variant Server 0.00008; TOPMed 0.00008; gnomAD exomes 0.00055 and 0.00138; ExAC 0.00143; 1000 Genomes Project 30x 0.00281; 1000 Genomes Project 0.00319.
gnomAD v4.1: 909 of 1,613,550 alleles (0.056%); highest among the groups gnomAD compares: South Asian, 0.9%; 12 homozygotes.

Submissions (3):

Labcorp Genetics (formerly Invitae), Labcorp
Classification: Benign. Last evaluated: 2026-01-14. Review status: criteria provided, single submitter. Criteria: Invitae Variant Classification Sherloc (09022015). Collection method: clinical testing. Allele origin: germline.

Blueprint Genetics
Classification: Likely benign. Last evaluated: 2024-11-25. Review status: criteria provided, single submitter. Criteria: ACMG Guidelines, 2015. Collection method: clinical testing. Allele origin: germline.

PreventionGenetics, part of Exact Sciences
Classification: Benign for EFL1-related condition. Last evaluated: 2024-05-22. Review status: no assertion criteria provided. Collection method: clinical testing. Allele origin: germline. Not counted in ClinVar's aggregate classification.
Comment: This variant is classified as benign based on ACMG/AMP sequence variant interpretation guidelines (Richards et al. 2015 PMID: 25741868, with internal and published modifications).

NM_024580.6(EFL1):c.795A>T (p.Lys265Asn)

Gene: EFL1 (elongation factor like GTPase 1; minus strand). Cytogenetic location: 15q25.2.
Variant type: single nucleotide variant.
Coding change: c.795A>T on transcript NM_024580.6 (MANE Select); coding-DNA position 795, A replaced by T.
Protein change: p.Lys265Asn; replaces lysine 265 with asparagine.
Molecular consequence: missense variant. On other transcripts: non-coding transcript variant (1).
Genome position (GRCh38, 1-based): chr15:82,230,908, T>A on the plus strand (A>T on the coding strand, the complement: EFL1 is on the minus strand). VCF-style: chr15-82230908-T-A. GRCh37 (hg19) VCF-style: chr15-82523249-T-A.
Other names: c.642A>T, p.Lys214Asn (NM_001040610.3); c.6A>T, p.Lys2Asn (NM_001322844.2); c.795A>T, p.Lys265Asn (NM_001322845.2); c.795A>T (NM_024580.5); short protein forms K214N, K265N, K2N.
Identifiers: ClinVar variation 1164579 (VCV001164579.12), dbSNP rs377206914, ClinGen allele CA7698189.